The following is an entry in ClinVar:

NM_003242.6(TGFBR2):c.580C>T (p.Gln194Ter)

Gene: TGFBR2 (transforming growth factor beta receptor 2; plus strand). Cytogenetic location: 3p24.1.
Variant type: single nucleotide variant.
Coding change: c.580C>T on transcript NM_003242.6 (MANE Select); coding-DNA position 580, C replaced by T.
Protein change: p.Gln194Ter; replaces glutamine 194 with a stop codon.
Molecular consequence: nonsense. On other transcripts: intron variant (1).
Genome position (GRCh38, 1-based): chr3:30,671,763, C>T. VCF-style: chr3-30671763-C-T. GRCh37 (hg19) VCF-style: chr3-30713255-C-T.
Other names: c.655C>T, p.Gln219Ter (NM_001024847.3); c.763C>T, p.Gln255Ter (NM_001407126.1); c.688C>T, p.Gln230Ter (NM_001407127.1); c.607C>T, p.Gln203Ter (NM_001407128.1); c.583C>T, p.Gln195Ter (NM_001407129.1); c.580C>T, p.Gln194Ter (NM_001407130.1); c.475C>T, p.Gln159Ter (NM_001407132.1, NM_001407133.1, NM_001407134.1 and 2 more transcripts); c.295C>T, p.Gln99Ter (NM_001407137.1); and 2 more; short protein forms Q195*, Q230*, Q159*, Q194*, Q255*, Q74*, Q99*, Q203*.
Identifiers: ClinVar variation 3656944 (VCV003656944.2).

ClinVar aggregate classification (germline): Uncertain significance (1 of 4 stars; one submission).

Conditions:
Familial thoracic aortic aneurysm and aortic dissection (TAAD). Also called: Thoracic aortic aneurysms and dissections. Identifiers: Orphanet 91387, MedGen C4707243, MONDO:0019625.

Submission:

Labcorp Genetics (formerly Invitae), Labcorp
Classification: Uncertain significance for Familial thoracic aortic aneurysm and aortic dissection. Last evaluated: 2024-07-17. Review status: criteria provided, single submitter. Criteria: Invitae Variant Classification Sherloc (09022015). Collection method: clinical testing. Allele origin: germline.
Comment: This sequence change creates a premature translational stop signal (p.Gln194*) in the TGFBR2 gene. It is expected to result in an absent or disrupted protein product. However, the current clinical and genetic evidence is not sufficient to establish whether loss-of-function variants in TGFBR2 cause disease. This variant is not present in population databases (gnomAD no frequency). This variant has not been reported in the literature in individuals affected with TGFBR2-related conditions. In summary, the available evidence is currently insufficient to determine the role of this variant in disease. Therefore, it has been classified as a Variant of Uncertain Significance.